The following is an entry in ClinVar:

ClinVar aggregate classification (germline): Uncertain significance. Review status: criteria provided, multiple submitters, no conflicts (2 of 4 stars). 3 submissions from 3 submitters: Uncertain significance (2). 1 of the submissions does not count toward it. Last evaluated 2025-07-03.

Conditions:
Inborn genetic diseases. Identifiers: MedGen C0950123, MeSH D030342.
Late-infantile neuronal ceroid lipofuscinosis. Also called: Jansky-Bielschowsky disease. Identifiers: MedGen C0022340, MONDO:0015674.
Neuronal ceroid lipofuscinosis 7 (CLN7). Also called: MFSD8-Related Neuronal Ceroid-Lipofuscinosis. Identifiers: Orphanet 168491, Orphanet 228366, MedGen C1838571, MONDO:0012588, OMIM 610951.

Allele frequency attached by ClinVar (database versions not stated): gnomAD exomes below 0.00001; TOPMed below 0.00001.
gnomAD v4.1: 1 of 1,614,180 alleles (0.000062%); highest among the groups gnomAD compares: Admixed American, 0.0017%; no homozygotes.

Submissions (3):

Ambry Genetics
Classification: Uncertain significance for Inborn genetic diseases. Last evaluated: 2025-07-03. Review status: criteria provided, single submitter. Criteria: Ambry Variant Classification Scheme 2023. Collection method: clinical testing. Allele origin: germline.

Labcorp Genetics (formerly Invitae), Labcorp
Classification: Uncertain significance for Neuronal ceroid lipofuscinosis 7. Last evaluated: 2024-10-21. Review status: criteria provided, single submitter. Criteria: Invitae Variant Classification Sherloc (09022015). Collection method: clinical testing. Allele origin: germline.
Comment: This sequence change replaces leucine, which is neutral and non-polar, with serine, which is neutral and polar, at codon 141 of the MFSD8 protein (p.Leu141Ser). This variant is not present in population databases (gnomAD no frequency). This variant has not been reported in the literature in individuals affected with MFSD8-related conditions. ClinVar contains an entry for this variant (Variation ID: 1014857). Invitae Evidence Modeling of protein sequence and biophysical properties (such as structural, functional, and spatial information, amino acid conservation, physicochemical variation, residue mobility, and thermodynamic stability) indicates that this missense variant is expected to disrupt MFSD8 protein function with a positive predictive value of 80%. In summary, the available evidence is currently insufficient to determine the role of this variant in disease. Therefore, it has been classified as a Variant of Uncertain Significance.

Natera, Inc.
Classification: Uncertain significance for Late-infantile neuronal ceroid lipofuscinosis. Last evaluated: 2020-12-22. Review status: no assertion criteria provided. Collection method: clinical testing. Allele origin: germline. Not counted in ClinVar's aggregate classification.

NM_001371596.2(MFSD8):c.422T>C (p.Leu141Ser)

Gene: MFSD8 (major facilitator superfamily domain containing 8; minus strand). Cytogenetic location: 4q28.2.
Variant type: single nucleotide variant.
Coding change: c.422T>C on transcript NM_001371596.2 (MANE Select); coding-DNA position 422, T replaced by C.
Protein change: p.Leu141Ser; replaces leucine 141 with serine.
Molecular consequence: missense variant.
Genome position (GRCh38, 1-based): chr4:127,943,769, A>G on the plus strand (T>C on the coding strand, the complement: MFSD8 is on the minus strand). VCF-style: chr4-127943769-A-G. GRCh37 (hg19) VCF-style: chr4-128864924-A-G.
Other names: c.422T>C (NM_152778.2); c.422T>C, p.Leu141Ser (NM_001363520.3, NM_001363521.3, NM_001371591.2 and 5 more transcripts); c.287T>C, p.Leu96Ser (NM_001371590.2, NM_001371595.1, NM_001410765.1); short protein forms L141S, L96S.
Identifiers: ClinVar variation 1014857 (VCV001014857.7), dbSNP rs1740590363, ClinGen allele CA358176683.